The following is an entry in ClinVar:

NM_003482.4(KMT2D):c.5783-9G>A

Gene: KMT2D (lysine methyltransferase 2D; minus strand). Cytogenetic location: 12q13.12.
Variant type: single nucleotide variant.
Coding change: c.5783-9G>A on transcript NM_003482.4 (MANE Select); 9 bases into the intron before coding-DNA position 5783, G replaced by A.
Molecular consequence: intron variant.
Genome position (GRCh38, 1-based): chr12:49,042,654, C>T on the plus strand (G>A on the coding strand, the complement: KMT2D is on the minus strand). VCF-style: chr12-49042654-C-T. GRCh37 (hg19) VCF-style: chr12-49436437-C-T.
Other names: c.5783-9G>A (NM_003482.3).
Identifiers: ClinVar variation 1652629 (VCV001652629.10), dbSNP rs765798441, ClinGen allele CA6547433.

ClinVar aggregate classification (germline): Likely benign. Review status: criteria provided, single submitter (1 of 4 stars). 2 submissions from 2 submitters: Likely benign (1). 1 of the submissions does not count toward it. Last evaluated 2024-05-21.

Conditions:
Kabuki syndrome. Also called: NIIKAWA-KUROKI SYNDROME; Kabuki make-up syndrome. Identifiers: Orphanet 2322, MedGen C0796004, MONDO:0016512.
KMT2D-related disorder. Also called: KMT2D-Related Disorders.

Allele frequency attached by ClinVar (database versions not stated): gnomAD exomes 0.00001 and 0.00002; ExAC 0.00002; gnomAD 0.00003; TOPMed 0.00003.
gnomAD v4.1: 17 of 1,612,060 alleles (0.0011%); highest among the groups gnomAD compares: East Asian, 0.0045%; no homozygotes.

Submissions (2):

Labcorp Genetics (formerly Invitae), Labcorp
Classification: Likely benign for Kabuki syndrome. Last evaluated: 2024-05-21. Review status: criteria provided, single submitter. Criteria: Invitae Variant Classification Sherloc (09022015). Collection method: clinical testing. Allele origin: germline.

PreventionGenetics, part of Exact Sciences
Classification: Likely benign for KMT2D-related condition. Last evaluated: 2023-10-11. Review status: no assertion criteria provided. Collection method: clinical testing. Allele origin: germline. Not counted in ClinVar's aggregate classification.
Comment: This variant is classified as likely benign based on ACMG/AMP sequence variant interpretation guidelines (Richards et al. 2015 PMID: 25741868, with internal and published modifications).